The following is an entry in ClinVar:

ClinVar aggregate classification (germline): Uncertain significance (1 of 4 stars; one submission).

Conditions:
Primary ciliary dyskinesia. Also called: Ciliary dyskinesia. Identifiers: Orphanet 244, MedGen C0008780, MONDO:0016575, HP:0012265.

Allele frequency attached by ClinVar (database versions not stated): TOPMed below 0.00001.

Submission:

Ambry Genetics
Classification: Uncertain significance for Primary ciliary dyskinesia. Last evaluated: 2023-02-16. Review status: criteria provided, single submitter. Criteria: Ambry Variant Classification Scheme 2023. Collection method: clinical testing. Allele origin: germline.
Comment: The p.M2776I variant (also known as c.8328G>A), located in coding exon 50 of the DNAH5 gene, results from a G to A substitution at nucleotide position 8328. The methionine at codon 2776 is replaced by isoleucine, an amino acid with highly similar properties. This amino acid position is conserved. In addition, this alteration is predicted to be tolerated by in silico analysis. Since supporting evidence is limited at this time, the clinical significance of this alteration remains unclear.

NM_001369.3(DNAH5):c.8328G>A (p.Met2776Ile)

Gene: DNAH5 (dynein axonemal heavy chain 5; minus strand). Cytogenetic location: 5p15.2.
Variant type: single nucleotide variant.
Coding change: c.8328G>A on transcript NM_001369.3 (MANE Select); coding-DNA position 8328, G replaced by A.
Protein change: p.Met2776Ile; replaces methionine 2776 with isoleucine.
Molecular consequence: missense variant.
Genome position (GRCh38, 1-based): chr5:13,792,114, C>T on the plus strand (G>A on the coding strand, the complement: DNAH5 is on the minus strand). VCF-style: chr5-13792114-C-T. GRCh37 (hg19) VCF-style: chr5-13792223-C-T.
Other names: short protein forms M2776I.
Identifiers: ClinVar variation 2451389 (VCV002451389.2), dbSNP rs1580266122, ClinGen allele CA359219309.